The following is an entry in ClinVar:

ClinVar aggregate classification (germline): Pathogenic (1 of 4 stars; one submission).

Submission:

Labcorp Genetics (formerly Invitae), Labcorp
Classification: Pathogenic. Last evaluated: 2023-03-30. Review status: criteria provided, single submitter. Criteria: Invitae Variant Classification Sherloc (09022015). Collection method: clinical testing. Allele origin: germline.
Comment: This variant has not been reported in the literature in individuals affected with ERCC6L2-related conditions. This sequence change creates a premature translational stop signal (p.Glu22*) in the ERCC6L2 gene. It is expected to result in an absent or disrupted protein product. Loss-of-function variants in ERCC6L2 are known to be pathogenic (PMID: 24507776, 27185855, 29146883, 29987015). This variant is not present in population databases (gnomAD no frequency). For these reasons, this variant has been classified as Pathogenic.

Literature cited by the submitters: PubMed 24507776; PubMed 27185855; PubMed 29146883; PubMed 29987015.

NM_020207.7(ERCC6L2):c.31G>T (p.Glu11Ter)

Gene: ERCC6L2 (ERCC excision repair 6 like 2; plus strand). Cytogenetic location: 9q22.32.
Variant type: single nucleotide variant.
Coding change: c.31G>T on transcript NM_020207.7 (MANE Select); coding-DNA position 31, G replaced by T.
Protein change: p.Glu11Ter; replaces glutamic acid 11 with a stop codon.
Molecular consequence: nonsense. On other transcripts: non-coding transcript variant (1).
Genome position (GRCh38, 1-based): chr9:95,876,069, G>T. VCF-style: chr9-95876069-G-T. GRCh37 (hg19) VCF-style: chr9-98638351-G-T.
Other names: c.31G>T, p.Glu11Ter (NM_001010895.4, NM_001375291.1, NM_001375292.1 and 2 more transcripts); short protein forms E11*.
Identifiers: ClinVar variation 2782050 (VCV002782050.3), dbSNP rs2490144577, ClinGen allele CA374115482.